The following is an entry in ClinVar:

NM_001005373.4(LRSAM1):c.2052G>C (p.Gln684His)

Gene: LRSAM1 (leucine rich repeat and sterile alpha motif containing 1; plus strand). Cytogenetic location: 9q34.11.
Variant type: single nucleotide variant.
Coding change: c.2052G>C on transcript NM_001005373.4 (MANE Select); coding-DNA position 2052, G replaced by C.
Protein change: p.Gln684His; replaces glutamine 684 with histidine.
Molecular consequence: missense variant. On other transcripts: non-coding transcript variant (2).
Genome position (GRCh38, 1-based): chr9:127,502,779, G>C. VCF-style: chr9-127502779-G-C. GRCh37 (hg19) VCF-style: chr9-130265058-G-C.
Other names: c.2052G>C, p.Gln684His (NM_138361.5, NM_001005374.4, NM_001384142.1); c.1971G>C, p.Gln657His (NM_001190723.3); c.1953G>C, p.Gln651His (NM_001384143.1); c.1263G>C, p.Gln421His (NM_001384144.1); short protein forms Q651H, Q657H, Q421H, Q684H.
Identifiers: ClinVar variation 3668110 (VCV003668110.2).

ClinVar aggregate classification (germline): Uncertain significance (1 of 4 stars; one submission).

Conditions:
Charcot-Marie-Tooth disease axonal type 2P. Also called: CHARCOT-MARIE-TOOTH NEUROPATHY, TYPE 2P; Charcot-Marie-Tooth Neuropathy Type 2G; CHARCOT-MARIE-TOOTH DISEASE, AXONAL, TYPE 2G; CMT 2G. Identifiers: Orphanet 300319, Orphanet 99941, MedGen C3280797, MONDO:0013753, OMIM 614436.

gnomAD v4.1: 3 of 1,611,376 alleles (0.00019%); highest among the groups gnomAD compares: Admixed American, 0.0017%; no homozygotes.

Submission:

Labcorp Genetics (formerly Invitae), Labcorp
Classification: Uncertain significance for Charcot-Marie-Tooth disease axonal type 2P. Last evaluated: 2025-01-29. Review status: criteria provided, single submitter. Criteria: Invitae Variant Classification Sherloc (09022015). Collection method: clinical testing. Allele origin: germline.
Comment: This sequence change replaces glutamine, which is neutral and polar, with histidine, which is basic and polar, at codon 684 of the LRSAM1 protein (p.Gln684His). This variant is not present in population databases (gnomAD no frequency). This variant has not been reported in the literature in individuals affected with LRSAM1-related conditions. Invitae Evidence Modeling of protein sequence and biophysical properties (such as structural, functional, and spatial information, amino acid conservation, physicochemical variation, residue mobility, and thermodynamic stability) indicates that this missense variant is not expected to disrupt LRSAM1 protein function with a negative predictive value of 80%. In summary, the available evidence is currently insufficient to determine the role of this variant in disease. Therefore, it has been classified as a Variant of Uncertain Significance.